The following is an entry in ClinVar:

ClinVar aggregate classification (germline): Uncertain significance (1 of 4 stars; one submission).

Submission:

Quest Diagnostics Nichols Institute San Juan Capistrano
Classification: Uncertain significance. Last evaluated: 2023-09-21. Review status: criteria provided, single submitter. Criteria: Quest Diagnostics criteria. Collection method: clinical testing. Allele origin: unknown.
Comment: The HBB c.-137_-136insG variant, to the best of our knowledge, has not been reported in the published literature. It also has not been reported in large, multi-ethnic general populations (Genome Aggregation Database). Based on the available information, we are unable to determine the clinical significance of this variant.

NM_000518.4(HBB):c.-137_-136insG

Genes: HBB (hemoglobin subunit beta; minus strand), LOC106099062 (HBB recombination region; plus strand), LOC107133510 (origin of replication at HBB; plus strand). Cytogenetic location: 11p15.4.
Variant type: Insertion.
Coding change: c.-137_-136insG on transcript NM_000518.4; 137 bases upstream of the start codon through 136 bases upstream of the start codon, G inserted.
Genome position: GRCh38 VCF-style: chr11-5227157-G-GC. GRCh37 (hg19) VCF-style: chr11-5248387-G-GC.
Identifiers: ClinVar variation 2681978 (VCV002681978.1), dbSNP rs2494297712, ClinGen allele CA2697548398.